The following is an entry in ClinVar:

NM_017831.4(RNF125):c.505-2A>T

Gene: RNF125 (ring finger protein 125; plus strand). Cytogenetic location: 18q12.1.
Variant type: single nucleotide variant.
Coding change: c.505-2A>T on transcript NM_017831.4 (MANE Select); the canonical splice acceptor site of the intron before coding-DNA position 505, A replaced by T.
Molecular consequence: splice acceptor variant. On other transcripts: intron variant (1).
Genome position (GRCh38, 1-based): chr18:32,065,900, A>T. VCF-style: chr18-32065900-A-T. GRCh37 (hg19) VCF-style: chr18-29645863-A-T.
Other names: c.505-2A>T (NM_001436860.1); c.504+20168A>T (NM_001436861.1).
Identifiers: ClinVar variation 4536783 (VCV004536783.1).

ClinVar aggregate classification (germline): Uncertain significance (1 of 4 stars; one submission).

gnomAD v4.1: 5 of 1,599,784 alleles (0.00031%); highest among the groups gnomAD compares: East Asian, 0.011%; no homozygotes.

Submission:

Women's Health and Genetics/Laboratory Corporation of America, LabCorp
Classification: Uncertain significance. Last evaluated: 2025-11-12. Review status: criteria provided, single submitter. Criteria: LabCorp Variant Classification Summary - May 2015. Collection method: clinical testing. Allele origin: germline.
Comment: Variant summary: RNF125 c.505-2A>T is located in a canonical splice-site and is predicted to affect mRNA splicing resulting in a significantly altered protein due to either exon skipping, shortening, or inclusion of intronic material. Variants that disrupt the consensus splice site are a relatively common cause of aberrant splicing, however current evidence is not sufficient to establish loss of function as a mechanism for disease. Several computational tools predict a significant impact on normal splicing: Four predict the variant abolishes a 3' acceptor site. However, these predictions have yet to be confirmed by functional studies. The variant allele was found at a frequency of 3.2e-05 in 250462 control chromosomes. The available data on variant occurrences in the general population are insufficient to allow any conclusion about variant significance. To our knowledge, no occurrence of c.505-2A>T in individuals affected with RNF125-related conditions and no experimental evidence demonstrating its impact on protein function have been reported. No submitters have cited clinical-significance assessments for this variant to ClinVar. Based on the evidence outlined above, the variant was classified as uncertain significance.